The following is an entry in ClinVar:

NM_001942.4(DSG1):c.1784A>G (p.His595Arg)

Genes: DSG1 (desmoglein 1; plus strand), DSG1-AS1 (DSG1 antisense RNA 1; minus strand). Cytogenetic location: 18q12.1.
Variant type: single nucleotide variant.
Coding change: c.1784A>G on transcript NM_001942.4 (MANE Select); coding-DNA position 1784, A replaced by G.
Protein change: p.His595Arg; replaces histidine 595 with arginine.
Molecular consequence: missense variant. On other transcripts: non-coding transcript variant (2).
Genome position (GRCh38, 1-based): chr18:31,343,546, A>G. VCF-style: chr18-31343546-A-G. GRCh37 (hg19) VCF-style: chr18-28923509-A-G.
Other names: short protein forms H595R.
Identifiers: ClinVar variation 2063965 (VCV002063965.4), dbSNP rs2510838027, ClinGen allele CA402117416.
Genomic context (GRCh38, chr18:31,343,546, plus strand): 5'-GTGCTCCTCGTAGTGCAGCTGGCTTTGAGCCTGTTCCCGAATGTTCAGATGGAGCAATTC[A>G]TTCATGGGCAGTAGAAGGACCACAGCCTGAACCCAGGGTAAGTGCCACATTCTAAGAAAT-3'
Protein context (NP_001933.2, residues 585-605): PVPECSDGAI[His595Arg]SWAVEGPQPE

ClinVar aggregate classification (germline): Uncertain significance (1 of 4 stars; one submission).

Submission:

Labcorp Genetics (formerly Invitae), Labcorp
Classification: Uncertain significance. Last evaluated: 2021-12-28. Review status: criteria provided, single submitter. Criteria: Invitae Variant Classification Sherloc (09022015). Collection method: clinical testing. Allele origin: germline.
Comment: This sequence change replaces histidine, which is basic and polar, with arginine, which is basic and polar, at codon 595 of the DSG1 protein (p.His595Arg). This variant is not present in population databases (gnomAD no frequency). This variant has not been reported in the literature in individuals affected with DSG1-related conditions. Algorithms developed to predict the effect of missense changes on protein structure and function are either unavailable or do not agree on the potential impact of this missense change (SIFT: "Deleterious"; PolyPhen-2: "Benign"; Align-GVGD: "Class C0"). In summary, the available evidence is currently insufficient to determine the role of this variant in disease. Therefore, it has been classified as a Variant of Uncertain Significance.